The following is an entry in ClinVar:

NC_000002.11:g.(?_241656771)_241759735del

Gene: KIF1A (kinesin family member 1A; minus strand).
Variant type: Deletion.
Identifiers: ClinVar variation 1076894 (VCV001076894.2).

ClinVar aggregate classification (germline): Pathogenic (1 of 4 stars; one submission).

Conditions:
Neuropathy, hereditary sensory, type 2C. Also called: Hereditary sensory and autonomic neuropathy type IIC; KIF1A-Related HSAN2 (HSAN2C). Identifiers: Orphanet 970, MedGen C3280168, MONDO:0013634, OMIM 614213.
Intellectual disability, autosomal dominant 9 (NESCAVS). Also called: KIF1A-Related Neurodevelopmental Disorder; NESCAV SYNDROME. Identifiers: Orphanet 662367, MedGen C5393830, MONDO:0013656, OMIM 614255.
Hereditary spastic paraplegia 30. Identifiers: Orphanet 101010, MedGen C5235139, MONDO:0012476.

Submission:

Labcorp Genetics (formerly Invitae), Labcorp
Classification: Pathogenic for Hereditary spastic paraplegia 30; Neuropathy, hereditary sensory, type 2C; Intellectual disability, autosomal dominant 9. Last evaluated: 2019-05-23. Review status: criteria provided, single submitter. Criteria: Invitae Variant Classification Sherloc (09022015). Collection method: clinical testing. Allele origin: germline.
Comment: A gross deletion of the genomic region encompassing the full coding sequence of the KIF1A gene has been identified. The boundaries of this event are unknown as the deletion extends beyond the assayed region for this gene and therefore may encompass additional genes. This variant has not been reported in the literature in individuals with KIF1A-related conditions. Loss-of-function variants in KIF1A are known to be pathogenic (PMID: 21820098). For these reasons, this variant has been classified as Pathogenic.

Literature cited by the submitters: PubMed 21820098.